The following is an entry in ClinVar:

NM_020975.6(RET):c.2944C>T (p.Arg982Cys)

Gene: RET (ret proto-oncogene; plus strand). Cytogenetic location: 10q11.21.
Variant type: single nucleotide variant.
Coding change: c.2944C>T on transcript NM_020975.6 (MANE Select); coding-DNA position 2944, C replaced by T.
Protein change: p.Arg982Cys; replaces arginine 982 with cysteine.
Molecular consequence: missense variant.
Genome position (GRCh38, 1-based): chr10:43,124,887, C>T. VCF-style: chr10-43124887-C-T. GRCh37 (hg19) VCF-style: chr10-43620335-C-T.
Other names: p.R982C:CGC>TGC; c.2656C>T, p.Arg886Cys (NM_001406767.1, NM_001406770.1, NM_001406766.1); c.2680C>T, p.Arg894Cys (NM_001406768.1); c.2548C>T, p.Arg850Cys (NM_001406769.1, NM_001406772.1); c.2506C>T, p.Arg836Cys (NM_001406771.1, NM_001406773.1); c.2419C>T, p.Arg807Cys (NM_001406774.1); c.2218C>T, p.Arg740Cys (NM_001406775.1, NM_001406776.1, NM_001406777.1 and 1 more transcripts); c.1918C>T, p.Arg640Cys (NM_001406786.1, NM_001406783.1); and 11 more; short protein forms R982C, R728C, R547C, R587C, R640C, R836C, R807C, R886C.
Identifiers: ClinVar variation 13938 (VCV000013938.91), dbSNP rs17158558, ClinGen allele CA009143.
Genomic context (GRCh38, chr10:43,124,887, plus strand): 5'-CCTTCTGAGACCTGGCCCTGCTTGGATCATATTGGCCTGTCTGCTCTTCCCACCAGGTAC[C>T]GCCTGATGCTGCAATGCTGGAAGCAGGAGCCGGACAAAAGGCCGGTGTTTGCGGACATCA-3'
Protein context (NP_066124.1, residues 972-992): RPDNCSEEMY[Arg982Cys]LMLQCWKQEP

ClinVar aggregate classification (germline): Conflicting classifications of pathogenicity. Review status: criteria provided, conflicting classifications (1 of 4 stars). 41 submissions from 35 submitters: Uncertain significance (1); Benign (22); Likely benign (6). 12 of the submissions do not count toward it. Last evaluated 2026-09-01.

Conditions:
Pheochromocytoma. Also called: MAX-Related Hereditary Paraganglioma-Pheochromocytoma Syndrome. Identifiers: Orphanet 29072, MedGen C0031511, MONDO:0008233, OMIM 171300, HP:0002666.
Multiple endocrine neoplasia type 2B. Also called: MEN IIB; NEUROMATA, MUCOSAL, WITH ENDOCRINE TUMORS; MEN 2B; Multiple endocrine neoplasia, type 3; Multiple Endocrine Neoplasia Type 2B (MEN2B); MUCOSAL NEUROMA SYNDROME. Identifiers: Orphanet 247709, Orphanet 653, MedGen C0025269, MeSH D018814, MONDO:0008082, OMIM 162300.
Familial medullary thyroid carcinoma (MTC). Also called: Thyroid cancer, familial medullary; MTC, familial; Familial Medullary Thyroid Carcinoma (FMTC). Identifiers: Orphanet 653, Orphanet 99361, MedGen C1833921, MONDO:0007958, OMIM 155240.
Multiple endocrine neoplasia type 2A. Also called: Multiple Endocrine Neoplasia Type 2A (MEN2A); MULTIPLE ENDOCRINE NEOPLASIA, TYPE IIA; PTC SYNDROME; SIPPLE SYNDROME; MEN 2A; MEN-2A syndrome. Identifiers: Orphanet 247698, Orphanet 653, MedGen C0025268, MeSH D018813, MONDO:0008234, OMIM 171400.
Hirschsprung disease, susceptibility to, 1 (HSCR1). Also called: RET-Related Hirschsprung Disease. Identifiers: Orphanet 388, MedGen C3888239, MONDO:0007723, OMIM 142623.
Multiple endocrine neoplasia. Identifiers: Orphanet 276161, MedGen C0027662, MONDO:0017169.
Hereditary cancer-predisposing syndrome. Also called: Neoplastic Syndromes, Hereditary; Tumor predisposition; Hereditary Cancer Syndrome; Hereditary neoplastic syndrome. Identifiers: Orphanet 140162, MedGen C0027672, MeSH D009386, MONDO:0015356.
Aganglionic megacolon (HSCR). Also called: Hirschsprung's disease; Hirschsprung disease. Identifiers: Orphanet 388, MedGen C0019569, MeSH D006627, MONDO:0018309, HP:0002251.
Multiple endocrine neoplasia, type 2 (MEN2). Identifiers: Orphanet 653, MedGen C4048306, MONDO:0019003. Disease mechanism: gain of function.
Breast-ovarian cancer, familial, susceptibility to, 1 (BROVCA1). Also called: BRCA1 Hereditary Breast and Ovarian Cancer; OVARIAN CANCER, SUSCEPTIBILITY TO. Identifiers: Orphanet 145, MedGen C2676676, MONDO:0011450, OMIM 604370. Disease mechanism: loss of function.
Malignant tumor of breast. Also called: Malignant breast neoplasm; Cancer breast. Identifiers: MedGen C0006142, MONDO:0007254. Disease mechanism: loss of function.
Renal hypodysplasia/aplasia 1 (RHDA1). Also called: HEREDITARY RENAL APLASIA; RENAL APLASIA. Identifiers: Orphanet 411709, MedGen C1619700, MONDO:0024519, OMIM 191830.

Allele frequency attached by ClinVar (database versions not stated): gnomAD exomes 0.01924; 1000 Genomes Project 30x 0.02092; TOPMed 0.01560; gnomAD 0.01567 and 0.01651; ExAC 0.01924; 1000 Genomes Project 0.02196.
gnomAD v4.1: 26,408 of 1,613,854 alleles (1.6%); highest among the groups gnomAD compares: South Asian, 4.2%; 372 homozygotes.

Submissions 1 to 14 of 41:

CeGaT Center for Human Genetics Tuebingen
Classification: Benign. Last evaluated: 2026-09-01. Review status: criteria provided, single submitter. Criteria: CeGaT Center For Human Genetics Tuebingen Variant Classification Criteria Version 2. Collection method: clinical testing. Allele origin: germline. Affected: yes. Observed: 375 variant alleles.
Comment: RET: BP4, BS1, BS2

Labcorp Genetics (formerly Invitae), Labcorp
Classification: Benign for Multiple endocrine neoplasia, type 2. Last evaluated: 2026-02-04. Review status: criteria provided, single submitter. Criteria: Invitae Variant Classification Sherloc (09022015). Collection method: clinical testing. Allele origin: germline.

Athena Diagnostics
Classification: Benign. Last evaluated: 2025-09-05. Review status: criteria provided, single submitter. Criteria: Athena Diagnostics Criteria. Collection method: clinical testing. Allele origin: unknown.
Comment: The frequency of this variant in the general population is higher than would generally be expected for pathogenic variants in this gene.

ARUP Laboratories, Molecular Genetics and Genomics, ARUP Laboratories
Classification: Benign. Last evaluated: 2025-07-23. Review status: criteria provided, single submitter. Criteria: ARUP Molecular Germline Variant Investigation Process 2024. Collection method: clinical testing. Allele origin: germline.

Center for Genomic Medicine, Rigshospitalet, Copenhagen University Hospital
Classification: Benign. Last evaluated: 2025-03-04. Review status: criteria provided, single submitter. Criteria: ACMG Guidelines, 2015. Collection method: clinical testing. Allele origin: germline.

KCCC/NGS Laboratory, Kuwait Cancer Control Center
Classification: Benign for Pheochromocytoma. Last evaluated: 2025-02-01. Review status: criteria provided, single submitter. Criteria: ACMG Guidelines, 2015. Collection method: clinical testing. Allele origin: germline. Affected: no.

Blueprint Genetics
Classification: Likely benign. Last evaluated: 2024-11-27. Review status: criteria provided, single submitter. Criteria: ACMG Guidelines, 2015. Collection method: clinical testing. Allele origin: germline.

Molecular Diagnostics Laboratory, Catalan Institute of Oncology
Classification: Benign for Hereditary cancer-predisposing syndrome. Last evaluated: 2024-10-28. Review status: criteria provided, single submitter. Criteria: ACMG Guidelines, 2015. Collection method: clinical testing. Allele origin: germline.
Comment: BA1, BS2_Supporting, BP4 c.2944C>T, located in exon 18 of the RET gene, is predicted to result in the substitution of arginie by cysteine at codon 982, p.(Arg982Cys). This variant is found in 5008/268346 (82 homozygotes), with a filter allele frequency of 1.80% at 99% confidence in the gnomAD v2.1.1 database (non-cancer data set)(BA1, BS2_Supporting). The SpliceAI algorithm predicts no significant impact on splicing and the REVEL meta-predictor score for this variant (0.282) suggests that it does not affect the protein function according to Pejaver 2022 thresholds (PMID: 36413997)(BP4). This variant has been reported in the ClinVar database (2x uncertain significance, 6 likely benign, 25x benign). Based on currently available information, c.2944C>T is classified as a benign variant according to ACMG guidelines.

All of Us Research Program, National Institutes of Health
Classification: Benign for Multiple endocrine neoplasia, type 2. Last evaluated: 2024-10-01. Review status: criteria provided, single submitter. Criteria: ACMG Guidelines, 2015. Collection method: clinical testing. Allele origin: germline. Inheritance: Autosomal dominant inheritance. Observed: 4,798 variant alleles, 4,748 heterozygotes, 49 homozygotes, 1 hemizygote.
Comment: This study involves interpretation of variants in research participants for the purpose of population health screening. Participant phenotype was not available at the time of variant classification. Additional details can be found in publication PMID: 35346344, PMCID: PMC8962531

KCCC/NGS Laboratory, Kuwait Cancer Control Center
Classification: Benign for Multiple endocrine neoplasia type 2B. Last evaluated: 2023-07-07. Review status: criteria provided, single submitter. Criteria: ACMG Guidelines, 2015. Collection method: clinical testing. Allele origin: germline. Affected: yes.

Department of Pathology and Laboratory Medicine, Sinai Health System
Classification: Benign for Hirschsprung disease, susceptibility to, 1; Familial medullary thyroid carcinoma; Multiple endocrine neoplasia type 2B; Pheochromocytoma; Multiple endocrine neoplasia type 2A. Last evaluated: 2022-06-22. Review status: criteria provided, single submitter. Criteria: ACMG Guidelines, 2015. Collection method: clinical testing. Allele origin: germline. Affected: yes.

Color Diagnostics, LLC DBA Color Health
Classification: Benign for Multiple endocrine neoplasia, type 2. Last evaluated: 2022-06-09. Review status: criteria provided, single submitter. Criteria: ACMG Guidelines, 2015. Collection method: clinical testing. Allele origin: germline.

Department of Human Genetics, Hannover Medical School
Classification: Likely benign for Breast-ovarian cancer, familial, susceptibility to, 1. Last evaluated: 2022-02-01. Review status: criteria provided, single submitter. Criteria: ACMG Guidelines, 2015. Collection method: clinical testing. Allele origin: germline. Affected: yes.

Sema4
Classification: Benign for Hereditary cancer-predisposing syndrome. Last evaluated: 2020-10-15. Review status: criteria provided, single submitter. Criteria: Sema4 Curation Guidelines. Collection method: curation. Allele origin: germline.